The following is an entry in ClinVar:

ClinVar aggregate classification (germline): Pathogenic/Likely pathogenic. Review status: criteria provided, multiple submitters, no conflicts (2 of 4 stars). 2 submissions from 2 submitters: Pathogenic (1); Likely pathogenic (1). Last evaluated 2025-09-09.

Conditions:
IFT81-related disorders.

Allele frequency attached by ClinVar (database versions not stated): gnomAD exomes below 0.00001; ExAC 0.00001; gnomAD 0.00003 and 0.00004; TOPMed 0.00003; ESP Exome Variant Server 0.00008.
gnomAD v4.1: 9 of 1,606,874 alleles (0.00056%); highest among the groups gnomAD compares: African/African-American, 0.0054%; no homozygotes.

Submissions (2):

Labcorp Genetics (formerly Invitae), Labcorp
Classification: Pathogenic. Last evaluated: 2025-09-09. Review status: criteria provided, single submitter. Criteria: Invitae Variant Classification Sherloc (09022015). Collection method: clinical testing. Allele origin: germline.
Comment: This sequence change creates a premature translational stop signal (p.Leu122*) in the IFT81 gene. It is expected to result in an absent or disrupted protein product. Loss-of-function variants in IFT81 are known to be pathogenic (PMID: 26275418, 27666822). This variant is present in population databases (rs369361064, gnomAD 0.003%). This variant has not been reported in the literature in individuals affected with IFT81-related conditions. ClinVar contains an entry for this variant (Variation ID: 943137). For these reasons, this variant has been classified as Pathogenic.

Blueprint Genetics
Classification: Likely pathogenic for IFT81-related disorders. Last evaluated: 2023-05-02. Review status: criteria provided, single submitter. Criteria: ACMG Guidelines, 2015. Collection method: clinical testing. Allele origin: germline. Affected: yes. Observed: 2 variant alleles.

Literature cited by the submitters: PubMed 26275418 (cited by Labcorp Genetics (formerly Invitae), Labcorp); PubMed 27666822 (cited by Labcorp Genetics (formerly Invitae), Labcorp).

NM_014055.4(IFT81):c.365T>A (p.Leu122Ter)

Gene: IFT81 (intraflagellar transport 81; plus strand). Cytogenetic location: 12q24.11.
Variant type: single nucleotide variant.
Coding change: c.365T>A on transcript NM_014055.4 (MANE Select); coding-DNA position 365, T replaced by A.
Protein change: p.Leu122Ter; replaces leucine 122 with a stop codon.
Molecular consequence: nonsense. On other transcripts: 5 prime UTR variant (2), non-coding transcript variant (4).
Genome position (GRCh38, 1-based): chr12:110,129,066, T>A. VCF-style: chr12-110129066-T-A. GRCh37 (hg19) VCF-style: chr12-110566871-T-A.
Other names: c.365T>A, p.Leu122Ter (NM_001143779.2, NM_001347946.2, NM_031473.4); c.-402T>A (NM_001347947.2, NM_001347948.2); short protein forms L122*.
Identifiers: ClinVar variation 943137 (VCV000943137.8), dbSNP rs369361064, ClinGen allele CA6783062.